The following is an entry in ClinVar:

NM_002292.4(LAMB2):c.4951C>T (p.Arg1651Trp)

Gene: LAMB2 (laminin subunit beta 2; minus strand). Cytogenetic location: 3p21.31.
Variant type: single nucleotide variant.
Coding change: c.4951C>T on transcript NM_002292.4 (MANE Select); coding-DNA position 4951, C replaced by T.
Protein change: p.Arg1651Trp; replaces arginine 1651 with tryptophan.
Molecular consequence: missense variant.
Genome position (GRCh38, 1-based): chr3:49,121,833, G>A on the plus strand (C>T on the coding strand, the complement: LAMB2 is on the minus strand). VCF-style: chr3-49121833-G-A. GRCh37 (hg19) VCF-style: chr3-49159266-G-A.
Other names: short protein forms R1651W.
Identifiers: ClinVar variation 859927 (VCV000859927.6), dbSNP rs200165604, ClinGen allele CA2393647.

ClinVar aggregate classification (germline): Conflicting classifications of pathogenicity. Review status: criteria provided, conflicting classifications (1 of 4 stars). 2 submissions from 2 submitters: Uncertain significance (1); Likely benign (1). Last evaluated 2024-10-29.

Conditions:
LAMB2-related infantile-onset nephrotic syndrome. Also called: Nephrotic Syndrome, type 5; NEPHROTIC SYNDROME, TYPE 5, WITHOUT OCULAR ABNORMALITIES; NEPHROTIC SYNDROME, TYPE 5, WITH OCULAR ABNORMALITIES. Identifiers: Orphanet 306507, MedGen C3280113, MONDO:0013621, OMIM 614199.
Pierson syndrome. Also called: MICROCORIA-CONGENITAL NEPHROTIC SYNDROME. Identifiers: Orphanet 2670, MedGen C1836876, MONDO:0012184, OMIM 609049.
Inborn genetic diseases. Identifiers: MedGen C0950123, MeSH D030342.

Allele frequency attached by ClinVar (database versions not stated): gnomAD 0.00006 and 0.00007; gnomAD exomes 0.00006 and 0.00022; TOPMed 0.00008; ExAC 0.00012; 1000 Genomes Project 30x 0.00016; 1000 Genomes Project 0.00020.
gnomAD v4.1: 102 of 1,612,904 alleles (0.0063%); highest among the groups gnomAD compares: Admixed American, 0.1%; no homozygotes.

Submissions (2):

Labcorp Genetics (formerly Invitae), Labcorp
Classification: Uncertain significance for LAMB2-related infantile-onset nephrotic syndrome; Pierson syndrome. Last evaluated: 2024-10-29. Review status: criteria provided, single submitter. Criteria: Invitae Variant Classification Sherloc (09022015). Collection method: clinical testing. Allele origin: germline.
Comment: This sequence change replaces arginine, which is basic and polar, with tryptophan, which is neutral and slightly polar, at codon 1651 of the LAMB2 protein (p.Arg1651Trp). This variant is present in population databases (rs200165604, gnomAD 0.1%). This variant has not been reported in the literature in individuals affected with LAMB2-related conditions. ClinVar contains an entry for this variant (Variation ID: 859927). An algorithm developed to predict the effect of missense changes on protein structure and function (PolyPhen-2) suggests that this variant¬¨‚Ä†is likely to be tolerated. In summary, the available evidence is currently insufficient to determine the role of this variant in disease. Therefore, it has been classified as a Variant of Uncertain Significance.

Ambry Genetics
Classification: Likely benign for Inborn genetic diseases. Last evaluated: 2024-08-13. Review status: criteria provided, single submitter. Criteria: Ambry Variant Classification Scheme 2023. Collection method: clinical testing. Allele origin: germline.

Literature cited by the submitters: PubMed 36413997 (cited by Ambry Genetics).